The following is an entry in ClinVar:

GRCh37/hg19 4q35.2(chr4:187367725-187476383)x3

Gene: MTNR1A (melatonin receptor 1A; minus strand). Cytogenetic location: 4q35.2.
Variant type: copy number gain.
Change: copy number 3 (three copies instead of two) of chr4:187,367,725-187,476,383 (108.7 kb, GRCh37 coordinates, 1-based), cytogenetic band 4q35.2.
Identifiers: ClinVar variation 394745 (VCV000394745.4).

ClinVar aggregate classification (germline): conflicting data from submitters (0 of 4 stars; one submission).

Submission:

ISCA Site 6
Classification: conflicting data from submitters. Review status: no assertion criteria provided. Collection method: clinical testing. Allele origin: unknown. Affected: yes. Observed: 8 variant alleles. Clinical features observed: Developmental delay AND/OR other significant developmental or morphological phenotypes.
Comment: Uncertain significance(1), Likely benign (1), Benign (6)

Copy number variation identified through the course of routine clinical cytogenomic testing in postnatal populations, with clinical assertions as classified by the original submitter. For data from the original published study, Kaminsky, et al. 2011 (PubMed 21844811), please see nstd101.